The following is an entry in ClinVar:

NM_001792.5(CDH2):c.1510A>G (p.Ile504Val)

Gene: CDH2 (cadherin 2; minus strand). Cytogenetic location: 18q12.1.
Variant type: single nucleotide variant.
Coding change: c.1510A>G on transcript NM_001792.5 (MANE Select); coding-DNA position 1510, A replaced by G.
Protein change: p.Ile504Val; replaces isoleucine 504 with valine.
Molecular consequence: missense variant.
Genome position (GRCh38, 1-based): chr18:27,990,185, T>C on the plus strand (A>G on the coding strand, the complement: CDH2 is on the minus strand). VCF-style: chr18-27990185-T-C. GRCh37 (hg19) VCF-style: chr18-25570149-T-C.
Other names: c.1510A>G (NM_001792.3); c.1417A>G, p.Ile473Val (NM_001308176.2); short protein forms I504V, I473V.
Identifiers: ClinVar variation 1939532 (VCV001939532.6), dbSNP rs754534891, ClinGen allele CA8923378.
Genomic context (GRCh38, chr18:27,990,185, plus strand): 5'-GGTCCTGAGCAGTGAATGTTGTCAACATGGTACCGGCATGAAGCCCTTCTTCTTGGCGAA[T>C]GATCTTAGGATTGGGGGCAAAATAAGGGTTTTCATTTACGTCAATAACTGTAACAGACAC-3'
Protein context (NP_001783.2, residues 494-514): NPYFAPNPKI[Ile504Val]RQEEGLHAGT

ClinVar aggregate classification (germline): Uncertain significance. Review status: criteria provided, multiple submitters, no conflicts (2 of 4 stars). 2 submissions from 2 submitters: Uncertain significance (2). Last evaluated 2026-03-29.

Conditions:
Inborn genetic diseases. Identifiers: MedGen C0950123, MeSH D030342.

Allele frequency attached by ClinVar (database versions not stated): gnomAD exomes below 0.00001; ExAC 0.00001; gnomAD 0.00001; TOPMed 0.00001.
gnomAD v4.1: 6 of 1,614,020 alleles (0.00037%); highest among the groups gnomAD compares: African/African-American, 0.0013%; no homozygotes.

Submissions (2):

Ambry Genetics
Classification: Uncertain significance for Inborn genetic diseases. Last evaluated: 2026-03-29. Review status: criteria provided, single submitter. Criteria: Ambry Variant Classification Scheme 2023. Collection method: clinical testing. Allele origin: germline.
Comment: The p.I504V variant (also known as c.1510A>G), located in coding exon 10 of the CDH2 gene, results from an A to G substitution at nucleotide position 1510. The isoleucine at codon 504 is replaced by valine, an amino acid with highly similar properties. This amino acid position is conserved. In addition, this alteration is predicted to be tolerated by in silico analysis. Based on the available evidence, the clinical significance of this variant remains unclear.

Labcorp Genetics (formerly Invitae), Labcorp
Classification: Uncertain significance. Last evaluated: 2022-06-13. Review status: criteria provided, single submitter. Criteria: Invitae Variant Classification Sherloc (09022015). Collection method: clinical testing. Allele origin: germline.
Comment: This sequence change replaces isoleucine, which is neutral and non-polar, with valine, which is neutral and non-polar, at codon 504 of the CDH2 protein (p.Ile504Val). In summary, the available evidence is currently insufficient to determine the role of this variant in disease. Therefore, it has been classified as a Variant of Uncertain Significance. Algorithms developed to predict the effect of missense changes on protein structure and function output the following: SIFT: "Tolerated"; PolyPhen-2: "Benign"; Align-GVGD: "Class C0". The valine amino acid residue is found in multiple mammalian species, which suggests that this missense change does not adversely affect protein function. This variant has not been reported in the literature in individuals affected with CDH2-related conditions. This variant is present in population databases (rs754534891, gnomAD 0.004%).